The following is an entry in ClinVar:

ClinVar aggregate classification (germline): Uncertain significance. Review status: criteria provided, multiple submitters, no conflicts (2 of 4 stars). 2 submissions from 2 submitters: Uncertain significance (2). Last evaluated 2024-02-25.

Conditions:
Inborn genetic diseases. Identifiers: MedGen C0950123, MeSH D030342.
Brachyolmia-amelogenesis imperfecta syndrome. Also called: Tooth agenesis, selective, 6; Dental anomalies and short stature; PLATYSPONDYLY WITH AMELOGENESIS IMPERFECTA. Identifiers: Orphanet 2899, MedGen C1832594, MONDO:0011018, OMIM 601216. Disease mechanism: loss of function.

Allele frequency attached by ClinVar (database versions not stated): gnomAD 0.00001; gnomAD exomes 0.00001 and 0.00002; ExAC 0.00003; 1000 Genomes Project 30x 0.00016; 1000 Genomes Project 0.00020.
gnomAD v4.1: 18 of 1,613,858 alleles (0.0011%); highest among the groups gnomAD compares: South Asian, 0.019%; 1 homozygote.

Submissions (2):

Ambry Genetics
Classification: Uncertain significance for Inborn genetic diseases. Last evaluated: 2024-02-25. Review status: criteria provided, single submitter. Criteria: Ambry Variant Classification Scheme 2023. Collection method: clinical testing. Allele origin: germline.
Comment: The p.Q1023R variant (also known as c.3068A>G), located in coding exon 22 of the LTBP3 gene, results from an A to G substitution at nucleotide position 3068. The glutamine at codon 1023 is replaced by arginine, an amino acid with highly similar properties. This amino acid position is conserved. In addition, the in silico prediction for this alteration is inconclusive. Based on the available evidence, the clinical significance of this alteration remains unclear.

Labcorp Genetics (formerly Invitae), Labcorp
Classification: Uncertain significance for Brachyolmia-amelogenesis imperfecta syndrome. Last evaluated: 2020-11-27. Review status: criteria provided, single submitter. Criteria: Invitae Variant Classification Sherloc (09022015). Collection method: clinical testing. Allele origin: germline.
Comment: This sequence change replaces glutamine with arginine at codon 1023 of the LTBP3 protein (p.Gln1023Arg). The glutamine residue is moderately conserved and there is a small physicochemical difference between glutamine and arginine. This variant is present in population databases (rs556358354, ExAC 0.02%). This variant has not been reported in the literature in individuals with LTBP3-related conditions. Algorithms developed to predict the effect of missense changes on protein structure and function are either unavailable or do not agree on the potential impact of this missense change (SIFT: "Tolerated"; PolyPhen-2: "Possibly Damaging"; Align-GVGD: "Class C0"). In summary, the available evidence is currently insufficient to determine the role of this variant in disease. Therefore, it has been classified as a Variant of Uncertain Significance.

NM_001130144.3(LTBP3):c.3068A>G (p.Gln1023Arg)

Genes: LTBP3 (latent transforming growth factor beta binding protein 3; minus strand), LOC121832793 (Sharpr-MPRA regulatory region 4001; plus strand). Cytogenetic location: 11q13.1.
Variant type: single nucleotide variant.
Coding change: c.3068A>G on transcript NM_001130144.3 (MANE Select); coding-DNA position 3068, A replaced by G.
Protein change: p.Gln1023Arg; replaces glutamine 1023 with arginine.
Molecular consequence: missense variant.
Genome position (GRCh38, 1-based): chr11:65,540,524, T>C on the plus strand (A>G on the coding strand, the complement: LTBP3 is on the minus strand). VCF-style: chr11-65540524-T-C. GRCh37 (hg19) VCF-style: chr11-65307995-T-C.
Other names: c.2717A>G, p.Gln906Arg (NM_001164266.1); c.3068A>G, p.Gln1023Arg (NM_021070.4); c.3068A>G (NM_001130144.2); short protein forms Q1023R, Q906R.
Identifiers: ClinVar variation 1434814 (VCV001434814.11), dbSNP rs556358354, ClinGen allele CA6100364.